The following is an entry in ClinVar:

ClinVar aggregate classification (germline): Conflicting classifications of pathogenicity. Review status: criteria provided, conflicting classifications (1 of 4 stars). 4 submissions from 4 submitters: Likely pathogenic (2); Uncertain significance (1). 1 of the submissions does not count toward it. Last evaluated 2024-11-03.

Conditions:
Congenital microvillous atrophy (DIAR2). Also called: MICROVILLUS ATROPHY, CONGENITAL; CONGENITAL FAMILIAL PROTRACTED DIARRHEA WITH ENTEROCYTE BRUSH-BORDER ABNORMALITIES; DAVIDSON DISEASE; Microvillus inclusion disease; Diarrhea 2 with microvillus atrophy, with or without cholestasis. Identifiers: Orphanet 2290, MedGen C0341306, MONDO:0009635, OMIM 251850.
MYO5B-related disorder. Also called: MYO5B-related condition.

Allele frequency attached by ClinVar (database versions not stated): gnomAD exomes below 0.00001; gnomAD 0.00001; TOPMed 0.00001.
gnomAD v4.1: 6 of 1,614,026 alleles (0.00037%); highest among the groups gnomAD compares: African/African-American, 0.0013%; no homozygotes.

Submissions (4):

Labcorp Genetics (formerly Invitae), Labcorp
Classification: Uncertain significance. Last evaluated: 2024-11-03. Review status: criteria provided, single submitter. Criteria: Invitae Variant Classification Sherloc (09022015). Collection method: clinical testing. Allele origin: germline.
Comment: This sequence change replaces glycine, which is neutral and non-polar, with arginine, which is basic and polar, at codon 435 of the MYO5B protein (p.Gly435Arg). This variant is not present in population databases (gnomAD no frequency). This missense change has been observed in individual(s) with MYO5B-related conditions (PMID: 20186687). ClinVar contains an entry for this variant (Variation ID: 986346). Invitae Evidence Modeling of protein sequence and biophysical properties (such as structural, functional, and spatial information, amino acid conservation, physicochemical variation, residue mobility, and thermodynamic stability) indicates that this missense variant is expected to disrupt MYO5B protein function with a positive predictive value of 80%. In summary, the available evidence is currently insufficient to determine the role of this variant in disease. Therefore, it has been classified as a Variant of Uncertain Significance.

Blueprint Genetics
Classification: Likely pathogenic for MYO5B-related disorders. Last evaluated: 2023-12-12. Review status: criteria provided, single submitter. Criteria: ACMG Guidelines, 2015. Collection method: clinical testing. Allele origin: germline. Affected: yes. Observed: 1 variant allele.

Rady Children's Institute for Genomic Medicine, Rady Children's Hospital San Diego
Classification: Likely pathogenic for DIARRHEA 2, WITH MICROVILLUS ATROPHY. Last evaluated: 2019-05-02. Review status: criteria provided, single submitter. Criteria: ACMG Guidelines, 2015. Collection method: clinical testing. Allele origin: germline. Affected: yes.
Comment: The c.947G>T (p.Gly316Val) variant has been previously reported as a compound heterozygous change (with c.1906-1G>A) in a patient with microvillus inclusion disease (PMID: 25517957). It is absent from the ExAC and gnomAD population databases and thus is presumed to be rare. The c.947G>T variant is predicted by multiple in silico tools to have a deleterious effect on protein function. Based on the available evidence, the c.947G>T (p.Gly316Val) variant is classified as Likely Pathogenic.

PreventionGenetics, part of Exact Sciences
Classification: Uncertain significance for MYO5B-related condition. Last evaluated: 2024-02-27. Review status: no assertion criteria provided. Collection method: clinical testing. Allele origin: germline. Not counted in ClinVar's aggregate classification.
Comment: The MYO5B c.1303G>A variant is predicted to result in the amino acid substitution p.Gly435Arg. This variant was reported in an individual with microvillus inclusion disease (MVID), but the second plausibly pathogenic variant was not found (Ruemmele et al. 2010. PubMed ID: 20186687). This variant has not been reported in a large population database, indicating this variant is rare. At this time, the clinical significance of this variant is uncertain due to the absence of conclusive functional and genetic evidence.

Literature cited by the submitters: PubMed 20186687 (cited by Labcorp Genetics (formerly Invitae), Labcorp).

NM_001080467.3(MYO5B):c.1303G>A (p.Gly435Arg)

Gene: MYO5B (myosin VB; minus strand). Cytogenetic location: 18q21.1.
Variant type: single nucleotide variant.
Coding change: c.1303G>A on transcript NM_001080467.3 (MANE Select); coding-DNA position 1303, G replaced by A.
Protein change: p.Gly435Arg; replaces glycine 435 with arginine.
Molecular consequence: missense variant.
Genome position (GRCh38, 1-based): chr18:49,974,369, C>T on the plus strand (G>A on the coding strand, the complement: MYO5B is on the minus strand). VCF-style: chr18-49974369-C-T. GRCh37 (hg19) VCF-style: chr18-47500739-C-T.
Other names: short protein forms G435R.
Identifiers: ClinVar variation 986346 (VCV000986346.6), dbSNP rs1283622290, ClinGen allele CA402432226.
Genomic context (GRCh38, chr18:49,974,369, plus strand): 5'-CTCCCAGGTAGCAGATAGAGCGAGACAGGCGGCAGGCCTACCCATAGATGTCCAGGACCC[C>T]GATGAAGGAGTGCTGCTTGAGGGAGGTGTGCAGGGCCTTGTTGATGTGCTCCACAATCCA-3'
Protein context (NP_001073936.1, residues 425-445): HTSLKQHSFI[Gly435Arg]VLDIYGFETF